The following is an entry in ClinVar:

ClinVar aggregate classification (germline): Conflicting classifications of pathogenicity. Review status: criteria provided, conflicting classifications (1 of 4 stars). 4 submissions from 4 submitters: Uncertain significance (3); Likely benign (1). Last evaluated 2024-02-05.

Conditions:
Hereditary cancer-predisposing syndrome. Also called: Hereditary Cancer Syndrome; Neoplastic Syndromes, Hereditary; Hereditary neoplastic syndrome; Tumor predisposition. Identifiers: Orphanet 140162, MedGen C0027672, MeSH D009386, MONDO:0015356.
Hereditary breast ovarian cancer syndrome. Also called: Hereditary breast and ovarian cancer syndrome (HBOC); Hereditary breast and ovarian cancer syndrome; Breast and ovarian cancer; Hereditary breast and/or ovarian cancer syndrome; BRCA1- and BRCA2-Associated Hereditary Breast and Ovarian Cancer; Hereditary breast and ovarian cancer. Identifiers: Orphanet 145, MedGen C0677776, MeSH D061325, MONDO:0003582. Disease mechanism: loss of function.
Breast-ovarian cancer, familial, susceptibility to, 2 (BROVCA2). Also called: BRCA2 Hereditary Breast and Ovarian Cancer. Identifiers: Orphanet 145, MedGen C2675520, MONDO:0012933, OMIM 612555. Disease mechanism: loss of function.

Allele frequency attached by ClinVar (database versions not stated): TOPMed 0.00001.

Submissions (4):

All of Us Research Program, National Institutes of Health
Classification: Uncertain significance for Breast-ovarian cancer, familial, susceptibility to, 2. Last evaluated: 2024-02-05. Review status: criteria provided, single submitter. Criteria: ACMG Guidelines, 2015. Collection method: clinical testing. Allele origin: germline. Inheritance: Autosomal dominant inheritance. Observed: 1 variant allele, 1 heterozygote.
Comment: This missense variant replaces glutamic acid with glycine at codon 865 of the BRCA2 protein. Computational prediction suggests that this variant may not impact protein structure and function. To our knowledge, functional studies have not been reported for this variant. This variant has not been reported in individuals affected with BRCA2-related disorders in the literature. This variant has not been identified in the general population by the Genome Aggregation Database (gnomAD). The available evidence is insufficient to determine the role of this variant in disease conclusively. Therefore, this variant is classified as a Variant of Uncertain Significance.

This study involves interpretation of variants in research participants for the purpose of population health screening. Participant phenotype was not available at the time of variant classification. Additional details can be found in publication PMID: 35346344, PMCID: PMC8962531

University of Washington Department of Laboratory Medicine, University of Washington
Classification: Likely benign for Hereditary cancer-predisposing syndrome. Last evaluated: 2023-03-23. Review status: criteria provided, single submitter. Criteria: Dines et al. (Genet Med. 2020). Collection method: curation. Allele origin: germline.
Comment: Missense variant in a coldspot region where missense variants are very unlikely to be pathogenic (PMID:31911673).

BRCA2 exon 11 coldspot. Reclassification based on statistical prior probability.

Labcorp Genetics (formerly Invitae), Labcorp
Classification: Uncertain significance for Hereditary breast ovarian cancer syndrome. Last evaluated: 2021-06-05. Review status: criteria provided, single submitter. Criteria: Invitae Variant Classification Sherloc (09022015). Collection method: clinical testing. Allele origin: germline.
Comment: Algorithms developed to predict the effect of missense changes on protein structure and function are either unavailable or do not agree on the potential impact of this missense change (SIFT: "Deleterious"; PolyPhen-2: "Benign"; Align-GVGD: "Class C0"). In summary, the available evidence is currently insufficient to determine the role of this variant in disease. Therefore, it has been classified as a Variant of Uncertain Significance. This variant has not been reported in the literature in individuals with BRCA2-related conditions. This variant is not present in population databases (ExAC no frequency). This sequence change replaces glutamic acid with glycine at codon 865 of the BRCA2 protein (p.Glu865Gly). The glutamic acid residue is moderately conserved and there is a moderate physicochemical difference between glutamic acid and glycine.

Ambry Genetics
Classification: Uncertain significance for Hereditary cancer-predisposing syndrome. Last evaluated: 2020-07-10. Review status: criteria provided, single submitter. Criteria: Ambry Variant Classification Scheme 2023. Collection method: clinical testing. Allele origin: germline.
Comment: The p.E865G variant (also known as c.2594A>G), located in coding exon 10 of the BRCA2 gene, results from an A to G substitution at nucleotide position 2594. The glutamic acid at codon 865 is replaced by glycine, an amino acid with similar properties. This amino acid position is not well conserved in available vertebrate species. In addition, this alteration is predicted to be tolerated by in silico analysis. Since supporting evidence is limited at this time, the clinical significance of this alteration remains unclear.

NM_000059.4(BRCA2):c.2594A>G (p.Glu865Gly)

Gene: BRCA2 (BRCA2 DNA repair associated; plus strand). Cytogenetic location: 13q13.1.
Variant type: single nucleotide variant.
Coding change: c.2594A>G on transcript NM_000059.4 (MANE Select); coding-DNA position 2594, A replaced by G.
Protein change: p.Glu865Gly; replaces glutamic acid 865 with glycine.
Molecular consequence: missense variant.
Genome position (GRCh38, 1-based): chr13:32,336,949, A>G. VCF-style: chr13-32336949-A-G. GRCh37 (hg19) VCF-style: chr13-32911086-A-G.
Other names: short protein forms E865G.
Identifiers: ClinVar variation 821457 (VCV000821457.16), dbSNP rs1593897302, ClinGen allele CA387772616.